The following is an entry in ClinVar:

NM_025207.5(FLAD1):c.356G>A (p.Gly119Glu)

Gene: FLAD1 (flavin adenine dinucleotide synthetase 1; plus strand). Cytogenetic location: 1q21.3.
Variant type: single nucleotide variant.
Coding change: c.356G>A on transcript NM_025207.5 (MANE Select); coding-DNA position 356, G replaced by A.
Protein change: p.Gly119Glu; replaces glycine 119 with glutamic acid.
Molecular consequence: missense variant. On other transcripts: 5 prime UTR variant (1).
Genome position (GRCh38, 1-based): chr1:154,984,050, G>A. VCF-style: chr1-154984050-G-A. GRCh37 (hg19) VCF-style: chr1-154956526-G-A.
Other names: c.65G>A, p.Gly22Glu (NM_001184891.2, NM_201398.3); c.-581G>A (NM_001184892.2); short protein forms G119E, G22E.
Identifiers: ClinVar variation 1381885 (VCV001381885.6), dbSNP rs2102236257, ClinGen allele CA342737928.

ClinVar aggregate classification (germline): Uncertain significance (1 of 4 stars; one submission).

Submission:

Labcorp Genetics (formerly Invitae), Labcorp
Classification: Uncertain significance. Last evaluated: 2021-12-03. Review status: criteria provided, single submitter. Criteria: Invitae Variant Classification Sherloc (09022015). Collection method: clinical testing. Allele origin: germline.
Comment: This sequence change replaces glycine, which is neutral and non-polar, with glutamic acid, which is acidic and polar, at codon 119 of the FLAD1 protein (p.Gly119Glu). In summary, the available evidence is currently insufficient to determine the role of this variant in disease. Therefore, it has been classified as a Variant of Uncertain Significance. Algorithms developed to predict the effect of missense changes on protein structure and function are either unavailable or do not agree on the potential impact of this missense change (SIFT: "Deleterious"; PolyPhen-2: "Probably Damaging"; Align-GVGD: "Class C0"). This variant has not been reported in the literature in individuals affected with FLAD1-related conditions. This variant is not present in population databases (gnomAD no frequency).